The following is an entry in ClinVar:

ClinVar aggregate classification (germline): Benign. Review status: criteria provided, single submitter (1 of 4 stars). 2 submissions from 2 submitters: Benign (1). 1 of the submissions does not count toward it. Last evaluated 2025-12-08.

Conditions:
BNC2-related disorder. Also called: BNC2-related condition.

Allele frequency attached by ClinVar (database versions not stated): 1000 Genomes Project 30x 0.00109; 1000 Genomes Project 0.00140.
gnomAD v4.1: 676 of 1,614,134 alleles (0.042%); highest among the groups gnomAD compares: South Asian, 0.68%; 11 homozygotes.

Submissions (2):

Labcorp Genetics (formerly Invitae), Labcorp
Classification: Benign. Last evaluated: 2025-12-08. Review status: criteria provided, single submitter. Criteria: Invitae Variant Classification Sherloc (09022015). Collection method: clinical testing. Allele origin: germline.

PreventionGenetics, part of Exact Sciences
Classification: Likely benign for BNC2-related condition. Last evaluated: 2019-03-01. Review status: no assertion criteria provided. Collection method: clinical testing. Allele origin: germline. Not counted in ClinVar's aggregate classification.
Comment: This variant is classified as likely benign based on ACMG/AMP sequence variant interpretation guidelines (Richards et al. 2015 PMID: 25741868, with internal and published modifications).

NM_017637.6(BNC2):c.2070C>T (p.Asp690=)

Genes: BNC2 (basonuclin zinc finger protein 2; minus strand), LOC126860585 (MED14-independent group 3 enhancer GRCh37_chr9:16435259-16436458; plus strand). Cytogenetic location: 9p22.3.
Variant type: single nucleotide variant.
Coding change: c.2070C>T on transcript NM_017637.6 (MANE Select); coding-DNA position 2070, C replaced by T.
Protein change: p.Asp690=; no amino-acid change (aspartic acid 690 retained).
Molecular consequence: synonymous variant.
Genome position (GRCh38, 1-based): chr9:16,436,124, G>A on the plus strand (C>T on the coding strand, the complement: BNC2 is on the minus strand). VCF-style: chr9-16436124-G-A. GRCh37 (hg19) VCF-style: chr9-16436122-G-A.
Other names: c.1944C>T, p.Asp648= (NM_001317939.2); c.1785C>T, p.Asp595= (NM_001317940.2).
Identifiers: ClinVar variation 2049550 (VCV002049550.6), dbSNP rs145916043, ClinGen allele CA4995969.